The following is an entry in ClinVar:

ClinVar aggregate classification (germline): Uncertain significance. Review status: criteria provided, multiple submitters, no conflicts (2 of 4 stars). 2 submissions from 2 submitters: Uncertain significance (2). Last evaluated 2025-12-03.

Submissions (2):

Labcorp Genetics (formerly Invitae), Labcorp
Classification: Uncertain significance. Last evaluated: 2025-12-03. Review status: criteria provided, single submitter. Criteria: Invitae Variant Classification Sherloc (09022015). Collection method: clinical testing. Allele origin: germline.
Comment: This sequence change replaces lysine, which is basic and polar, with asparagine, which is neutral and polar, at codon 10 of the TNFSF11 protein (p.Lys10Asn). The frequency data for this variant in the population databases is considered unreliable, as metrics indicate poor data quality at this position in the gnomAD database. This variant has not been reported in the literature in individuals affected with TNFSF11-related conditions. ClinVar contains an entry for this variant (Variation ID: 1409770). An algorithm developed to predict the effect of missense changes on protein structure and function (PolyPhen-2) suggests that this variant is likely to be disruptive. In summary, the available evidence is currently insufficient to determine the role of this variant in disease. Therefore, it has been classified as a Variant of Uncertain Significance.

Breakthrough Genomics
Classification: Uncertain significance. Review status: criteria provided, single submitter. Criteria: ACMG Guidelines, 2015. Collection method: not provided. Allele origin: germline. Inheritance: Autosomal recessive inheritance. Affected: yes.

NM_003701.4(TNFSF11):c.30G>C (p.Lys10Asn)

Genes: TNFSF11 (TNF superfamily member 11; plus strand), LOC130009662 (ATAC-STARR-seq lymphoblastoid silent region 5301; plus strand). Cytogenetic location: 13q14.11.
Variant type: single nucleotide variant.
Coding change: c.30G>C on transcript NM_003701.4 (MANE Select); coding-DNA position 30, G replaced by C.
Protein change: p.Lys10Asn; replaces lysine 10 with asparagine.
Molecular consequence: missense variant. On other transcripts: intron variant (1).
Genome position (GRCh38, 1-based): chr13:42,574,333, G>C. VCF-style: chr13-42574333-G-C. GRCh37 (hg19) VCF-style: chr13-43148469-G-C.
Other names: c.-1+2595G>C (NM_033012.4); short protein forms K10N.
Identifiers: ClinVar variation 1409770 (VCV001409770.7), dbSNP rs868453312, ClinGen allele CA249049726.